The following is an entry in ClinVar:

ClinVar aggregate classification (germline): Uncertain significance (1 of 4 stars; one submission).

Conditions:
Hyperphosphatasia with impaired intellectual development syndrome 2. Also called: Hyperphosphatasia with intellectual disability syndrome 2; GLYCOSYLPHOSPHATIDYLINOSITOL BIOSYNTHESIS DEFECT 6. Identifiers: Orphanet 247262, MedGen C3553637, MONDO:0013882, OMIM 614749.

Submission:

Labcorp Genetics (formerly Invitae), Labcorp
Classification: Uncertain significance for Hyperphosphatasia with impaired intellectual development syndrome 2. Last evaluated: 2021-08-30. Review status: criteria provided, single submitter. Criteria: Invitae Variant Classification Sherloc (09022015). Collection method: clinical testing. Allele origin: germline.
Comment: This sequence change replaces proline with serine at codon 730 of the PIGO protein (p.Pro730Ser). The proline residue is moderately conserved and there is a moderate physicochemical difference between proline and serine. This variant is not present in population databases (ExAC no frequency). This variant has not been reported in the literature in individuals affected with PIGO-related conditions. Algorithms developed to predict the effect of missense changes on protein structure and function (SIFT, PolyPhen-2, Align-GVGD) all suggest that this variant is likely to be tolerated. In summary, the available evidence is currently insufficient to determine the role of this variant in disease. Therefore, it has been classified as a Variant of Uncertain Significance.

NM_032634.4(PIGO):c.2188C>T (p.Pro730Ser)

Gene: PIGO (phosphatidylinositol glycan anchor biosynthesis class O; minus strand). Cytogenetic location: 9p13.3.
Variant type: single nucleotide variant.
Coding change: c.2188C>T on transcript NM_032634.4 (MANE Select); coding-DNA position 2188, C replaced by T.
Protein change: p.Pro730Ser; replaces proline 730 with serine.
Molecular consequence: missense variant. On other transcripts: intron variant (2).
Genome position (GRCh38, 1-based): chr9:35,091,699, G>A on the plus strand (C>T on the coding strand, the complement: PIGO is on the minus strand). VCF-style: chr9-35091699-G-A. GRCh37 (hg19) VCF-style: chr9-35091696-G-A.
Other names: c.1345-408C>T (NM_152850.4, NM_001201484.2); short protein forms P730S.
Identifiers: ClinVar variation 568717 (VCV000568717.6), dbSNP rs747418653, ClinGen allele CA373320603.